The following is an entry in ClinVar:

NM_015065.3(EXPH5):c.-179C>G

Genes: EXPH5 (exophilin 5; minus strand), LOC130006708 (ATAC-STARR-seq lymphoblastoid silent region 3881; plus strand). Cytogenetic location: 11q22.3.
Variant type: single nucleotide variant.
Coding change: c.-179C>G on transcript NM_015065.3 (MANE Select); 179 bases upstream of the start codon, C replaced by G.
Molecular consequence: 5 prime UTR variant. On other transcripts: intron variant (1).
Genome position (GRCh38, 1-based): chr11:108,593,715, G>C on the plus strand (C>G on the coding strand, the complement: EXPH5 is on the minus strand). VCF-style: chr11-108593715-G-C. GRCh37 (hg19) VCF-style: chr11-108464442-G-C.
Other names: c.11+8C>G (NM_001308019.2).
Identifiers: ClinVar variation 3040394 (VCV003040394.2), dbSNP rs922326323, ClinGen allele CA228848909.

ClinVar aggregate classification (germline): Likely benign (0 of 4 stars; one submission).

Conditions:
EXPH5-related disorder. Also called: EXPH5-related condition.

Allele frequency attached by ClinVar (database versions not stated): gnomAD exomes 0.00001; gnomAD 0.00007; TOPMed 0.00008.
gnomAD v4.1: 31 of 1,540,020 alleles (0.002%); highest among the groups gnomAD compares: African/African-American, 0.037%; no homozygotes.

Submission:

PreventionGenetics, part of Exact Sciences
Classification: Likely benign for EXPH5-related condition. Last evaluated: 2019-09-17. Review status: no assertion criteria provided. Collection method: clinical testing. Allele origin: germline.
Comment: This variant is classified as likely benign based on ACMG/AMP sequence variant interpretation guidelines (Richards et al. 2015 PMID: 25741868, with internal and published modifications).